The following is an entry in ClinVar:

NM_001018115.3(FANCD2):c.2155del (p.Glu719fs)

Genes: FANCD2 (FA complementation group D2; plus strand), LOC107303338 (3p25 FANCD2 Alu-mediated recombination region; plus strand). Cytogenetic location: 3p25.3.
Variant type: Deletion.
Coding change: c.2155del on transcript NM_001018115.3 (MANE Select); coding-DNA position 2155, one base deleted (G; older notation c.2155delG).
Protein change: p.Glu719fs; shifts the reading frame from glutamic acid 719.
Molecular consequence: frameshift variant.
Genome position (GRCh38, 1-based): chr3:10,064,862, G deleted; the last of 2 consecutive G bases (chr3:10,064,861-10,064,862); deleting either gives the same sequence. VCF-style (leftmost placement, unchanged base first): chr3-10064860-AG-A. GRCh37 (hg19) VCF-style: chr3-10106544-AG-A.
Other names: c.2155del, p.Glu719fs (NM_001319984.2, NM_001374254.1, NM_033084.6); c.2044del, p.Glu682fs (NM_001374253.1); short protein forms E682fs, E719fs.
Identifiers: ClinVar variation 5019753 (VCV005019753.2).

ClinVar aggregate classification (germline): Likely pathogenic (1 of 4 stars; one submission).

Conditions:
Fanconi anemia complementation group D2. Also called: FANCD2-Related Fanconi Anemia; FANCONI PANCYTOPENIA, TYPE 4; FANCONI ANEMIA, COMPLEMENTATION GROUP D. Identifiers: Orphanet 84, MedGen C3160738, MONDO:0009214, OMIM 227646.

Submission:

Juno Genomics, Hangzhou Juno Genomics, Inc
Classification: Likely pathogenic for Fanconi anemia complementation group D2. Review status: criteria provided, single submitter. Criteria: ACMG Guidelines, 2015. Collection method: clinical testing. Allele origin: germline.
Comment: Absent from controls (or at extremely low frequency if recessive) in Genome Aggregation Database.;Null variant in a gene where loss of function (LOF) is a known mechanism of disease.